The following is an entry in ClinVar:

NM_001851.6(COL9A1):c.59G>A (p.Trp20Ter)

Gene: COL9A1 (collagen type IX alpha 1 chain; minus strand). Cytogenetic location: 6q13.
Variant type: single nucleotide variant.
Coding change: c.59G>A on transcript NM_001851.6 (MANE Select); coding-DNA position 59, G replaced by A.
Protein change: p.Trp20Ter; replaces tryptophan 20 with a stop codon.
Molecular consequence: nonsense.
Genome position (GRCh38, 1-based): chr6:70,302,030, C>T on the plus strand (G>A on the coding strand, the complement: COL9A1 is on the minus strand). VCF-style: chr6-70302030-C-T. GRCh37 (hg19) VCF-style: chr6-71011733-C-T.
Other names: c.59G>A, p.Trp20Ter (NM_001377291.1); short protein forms W20*.
Identifiers: ClinVar variation 1075450 (VCV001075450.7), dbSNP rs2127609482, ClinGen allele CA364675969.

ClinVar aggregate classification (germline): Pathogenic (1 of 4 stars; one submission).

Submission:

Labcorp Genetics (formerly Invitae), Labcorp
Classification: Pathogenic. Last evaluated: 2020-03-08. Review status: criteria provided, single submitter. Criteria: Invitae Variant Classification Sherloc (09022015). Collection method: clinical testing. Allele origin: germline.
Comment: This sequence change creates a premature translational stop signal (p.Trp20*) in the COL9A1 gene. It is expected to result in an absent or disrupted protein product. This variant is not present in population databases (ExAC no frequency). This variant has not been reported in the literature in individuals with COL9A1-related conditions. Algorithms developed to predict the effect of sequence changes on RNA splicing suggest that this variant may create or strengthen a splice site, but this prediction has not been confirmed by published transcriptional studies. Loss-of-function variants in COL9A1 are known to be pathogenic (PMID: 16909383, 21421862). For these reasons, this variant has been classified as Pathogenic.

Literature cited by the submitters: PubMed 16909383; PubMed 21421862.